The following is an entry in ClinVar:

ClinVar aggregate classification (germline): Uncertain significance (1 of 4 stars; one submission).

Submission:

GeneDx
Classification: Uncertain significance. Last evaluated: 2023-03-06. Review status: criteria provided, single submitter. Criteria: GeneDx Variant Classification Process June 2021. Collection method: clinical testing. Allele origin: germline. Affected: yes.
Comment: Not observed at significant frequency in large population cohorts (gnomAD); In silico analysis supports that this missense variant does not alter protein structure/function; Has not been previously published as pathogenic or benign to our knowledge

NM_014491.4(FOXP2):c.871C>T (p.Leu291Phe)

Gene: FOXP2 (forkhead box P2; plus strand). Cytogenetic location: 7q31.1.
Variant type: single nucleotide variant.
Coding change: c.871C>T on transcript NM_014491.4 (MANE Select); coding-DNA position 871, C replaced by T.
Protein change: p.Leu291Phe; replaces leucine 291 with phenylalanine.
Molecular consequence: missense variant. On other transcripts: non-coding transcript variant (2).
Genome position (GRCh38, 1-based): chr7:114,642,505, C>T. VCF-style: chr7-114642505-C-T. GRCh37 (hg19) VCF-style: chr7-114282560-C-T.
Other names: c.868C>T, p.Leu290Phe (NM_001172766.3); c.946C>T, p.Leu316Phe (NM_001172767.2, NM_148898.4); c.-479C>T (NM_001172777.1); c.871C>T, p.Leu291Phe (NM_148899.3); c.922C>T, p.Leu308Phe (NM_148900.4); short protein forms L290F, L291F, L308F, L316F.
Identifiers: ClinVar variation 2579368 (VCV002579368.1), dbSNP rs2485383204, ClinGen allele CA368963427.
Genomic context (GRCh38, chr7:114,642,505, plus strand): 5'-AAAGAAGTGACTGGAGTTCACAGTATGGAAGACAATGGCATTAAACATGGAGGGCTAGAC[C>T]TCACTACTAACAATTCCTCCTCGACTACCTCCTCCAACACTTCCAAAGCATCACCACCAA-3'
Protein context (NP_055306.1, residues 281-301): DNGIKHGGLD[Leu291Phe]TTNNSSSTTS